The following is an entry in ClinVar:

NM_198578.4(LRRK2):c.5176G>T (p.Ala1726Ser)

Gene: LRRK2 (leucine rich repeat kinase 2; plus strand). Cytogenetic location: 12q12.
Variant type: single nucleotide variant.
Coding change: c.5176G>T on transcript NM_198578.4 (MANE Select); coding-DNA position 5176, G replaced by T.
Protein change: p.Ala1726Ser; replaces alanine 1726 with serine.
Molecular consequence: missense variant.
Genome position (GRCh38, 1-based): chr12:40,322,040, G>T. VCF-style: chr12-40322040-G-T. GRCh37 (hg19) VCF-style: chr12-40715842-G-T.
Other names: short protein forms A1726S.
Identifiers: ClinVar variation 3229685 (VCV003229685.1), dbSNP rs2499883153, ClinGen allele CA384420168.
Genomic context (GRCh38, chr12:40,322,040, plus strand): 5'-GATTTTTTCCCTTTAACTTAGGAAGCAGTTAATAATTAATGGCTCCATTTTTTAGAACGA[G>T]CACTTCGCCCAAACAGAATGTATTGGCGACAAGGCATTTACTTAAATTGGTCTCCTGAAG-3'
Protein context (NP_940980.4, residues 1716-1736): SPYMLSGRER[Ala1726Ser]LRPNRMYWRQ

ClinVar aggregate classification (germline): Uncertain significance (1 of 4 stars; one submission).

Conditions:
Inborn genetic diseases. Identifiers: MedGen C0950123, MeSH D030342.

Submission:

Ambry Genetics
Classification: Uncertain significance for Inborn genetic diseases. Last evaluated: 2024-01-16. Review status: criteria provided, single submitter. Criteria: Ambry Variant Classification Scheme 2023. Collection method: clinical testing. Allele origin: germline.
Comment: The p.A1726S variant (also known as c.5176G>T), located in coding exon 36 of the LRRK2 gene, results from a G to T substitution at nucleotide position 5176. The alanine at codon 1726 is replaced by serine, an amino acid with similar properties. This amino acid position is conserved. In addition, this alteration is predicted to be tolerated by in silico analysis. Since supporting evidence is limited at this time, the clinical significance of this alteration remains unclear.